The following is an entry in ClinVar:

NM_021625.5(TRPV4):c.1073C>T (p.Pro358Leu)

Gene: TRPV4 (transient receptor potential cation channel subfamily V member 4; minus strand). Cytogenetic location: 12q24.11.
Variant type: single nucleotide variant.
Coding change: c.1073C>T on transcript NM_021625.5 (MANE Select); coding-DNA position 1073, C replaced by T.
Protein change: p.Pro358Leu; replaces proline 358 with leucine.
Molecular consequence: missense variant.
Genome position (GRCh38, 1-based): chr12:109,798,693, G>A on the plus strand (C>T on the coding strand, the complement: TRPV4 is on the minus strand). VCF-style: chr12-109798693-G-A. GRCh37 (hg19) VCF-style: chr12-110236498-G-A.
Other names: c.932C>T, p.Pro311Leu (NM_001177428.2, NM_001177433.2); c.971C>T, p.Pro324Leu (NM_001177431.2); c.1073C>T, p.Pro358Leu (NM_147204.3); short protein forms P311L, P324L, P358L.
Identifiers: ClinVar variation 1500580 (VCV001500580.8), dbSNP rs752782460, ClinGen allele CA6780359.
Genomic context (GRCh38, chr12:109,798,693, plus strand): 5'-GCAGCCATCATGAGGGGCGAGAGGCCGTCGTTGTTGAGCACGGCCTCCAGGTTGCTGTCG[G>A]GGAAGAGGCGGGCACACTTGAGCAGCAGCAGGTCGTACATCTTGGTAACAAACTTGGTGT-3'
Protein context (NP_067638.3, residues 348-368): LLLLKCARLF[Pro358Leu]DSNLEAVLNN

ClinVar aggregate classification (germline): Uncertain significance. Review status: criteria provided, multiple submitters, no conflicts (2 of 4 stars). 2 submissions from 2 submitters: Uncertain significance (2). Last evaluated 2025-08-31.

Conditions:
Inborn genetic diseases. Identifiers: MedGen C0950123, MeSH D030342.
Charcot-Marie-Tooth disease axonal type 2C (HMSN2C). Also called: CHARCOT-MARIE-TOOTH DISEASE, AXONAL, AUTOSOMAL DOMINANT, TYPE 2C; Charcot-Marie-Tooth Neuropathy Type 2C; Charcot-Marie-Tooth Disease Type 2, TRPV4-Related (CMT2C). Identifiers: Orphanet 99937, MedGen C1853710, MONDO:0011633, OMIM 606071.

Allele frequency attached by ClinVar (database versions not stated): gnomAD exomes 0.00002 and 0.00001; TOPMed 0.00002; ExAC 0.00001; gnomAD 0.00001.

Submissions (2):

Ambry Genetics
Classification: Uncertain significance for Inborn genetic diseases. Last evaluated: 2025-08-31. Review status: criteria provided, single submitter. Criteria: Ambry Variant Classification Scheme 2023. Collection method: clinical testing. Allele origin: germline.

Labcorp Genetics (formerly Invitae), Labcorp
Classification: Uncertain significance for Charcot-Marie-Tooth disease axonal type 2C. Last evaluated: 2022-04-01. Review status: criteria provided, single submitter. Criteria: Invitae Variant Classification Sherloc (09022015). Collection method: clinical testing. Allele origin: germline.
Comment: In summary, the available evidence is currently insufficient to determine the role of this variant in disease. Therefore, it has been classified as a Variant of Uncertain Significance. Algorithms developed to predict the effect of missense changes on protein structure and function are either unavailable or do not agree on the potential impact of this missense change (SIFT: "Deleterious"; PolyPhen-2: "Benign"; Align-GVGD: "Class C0"). This variant has not been reported in the literature in individuals affected with TRPV4-related conditions. This variant is present in population databases (rs752782460, gnomAD 0.007%). This sequence change replaces proline, which is neutral and non-polar, with leucine, which is neutral and non-polar, at codon 358 of the TRPV4 protein (p.Pro358Leu).